The following is an entry in ClinVar:

NM_004006.3(DMD):c.10224-1G>C

Gene: DMD (dystrophin; minus strand). Cytogenetic location: Xp21.2.
Variant type: single nucleotide variant.
Coding change: c.10224-1G>C on transcript NM_004006.3 (MANE Select); the canonical splice acceptor site of the intron before coding-DNA position 10224, G replaced by C.
Molecular consequence: splice acceptor variant. On other transcripts: intron variant (5).
Genome position (GRCh38, 1-based): chrX:31,177,971, C>G on the plus strand (G>C on the coding strand, the complement: DMD is on the minus strand). VCF-style: chrX-31177971-C-G. GRCh37 (hg19) VCF-style: chrX-31196088-C-G.
Other names: c.10200-1G>C (NM_000109.4); c.6201-1G>C (NM_004011.4); c.6192-1G>C (NM_004012.4); c.2843+698G>C (NM_004023.3, NM_004020.4, NM_004022.3); c.2844-1G>C (NM_004021.3, NM_004013.3); c.2037-1G>C (NM_004014.3); c.1019+698G>C (NM_004018.3, NM_004017.3); c.1020-1G>C (NM_004016.3, NM_004015.3); and 2 more.
Identifiers: ClinVar variation 1348525 (VCV001348525.8), dbSNP rs2148280872, ClinGen allele CA412652657.

ClinVar aggregate classification (germline): Likely pathogenic (1 of 4 stars; one submission).

Conditions:
Duchenne muscular dystrophy (DMD). Also called: MUSCULAR DYSTROPHY, PSEUDOHYPERTROPHIC PROGRESSIVE, DUCHENNE TYPE; Duchenne Muscular Dystrophy (DMD). Identifiers: Orphanet 98896, MedGen C0013264, MONDO:0010679, OMIM 310200.

Submission:

Labcorp Genetics (formerly Invitae), Labcorp
Classification: Likely pathogenic for Duchenne muscular dystrophy. Last evaluated: 2022-03-09. Review status: criteria provided, single submitter. Criteria: Invitae Variant Classification Sherloc (09022015). Collection method: clinical testing. Allele origin: germline.
Comment: In summary, the currently available evidence indicates that the variant is pathogenic, but additional data are needed to prove that conclusively. Therefore, this variant has been classified as Likely Pathogenic. Algorithms developed to predict the effect of sequence changes on RNA splicing suggest that this variant may disrupt the consensus splice site. Disruption of this splice site has been observed in individual(s) with clinical features of DMD-related conditions (PMID: 19449031). This variant is not present in population databases (gnomAD no frequency). This sequence change affects an acceptor splice site in intron 70 of the DMD gene. It is expected to result in an absent or disrupted protein product. Loss-of-function variants in DMD are known to be pathogenic (PMID: 16770791, 25007885). In addition, truncating variants in exon 71 (p.Pro3409Tyr*22, p.Thr3411Asn*22, and p.Leu3412Argfs*7) that result in partial in-frame exon skipping have been observed in individuals with clinical features of mild Becker muscular dystrophy (PMID: 17041906, 23536893).

Literature cited by the submitters: PubMed 19449031; PubMed 16770791; PubMed 25007885; PubMed 17041906; PubMed 23536893.